The following is an entry in ClinVar:

NM_017780.4(CHD7):c.4328G>A (p.Ser1443Asn)

Gene: CHD7 (chromodomain helicase DNA binding protein 7; plus strand). Cytogenetic location: 8q12.2.
Variant type: single nucleotide variant.
Coding change: c.4328G>A on transcript NM_017780.4 (MANE Select); coding-DNA position 4328, G replaced by A.
Protein change: p.Ser1443Asn; replaces serine 1443 with asparagine.
Molecular consequence: missense variant. On other transcripts: intron variant (1).
Genome position (GRCh38, 1-based): chr8:60,837,810, G>A. VCF-style: chr8-60837810-G-A. GRCh37 (hg19) VCF-style: chr8-61750369-G-A.
Other names: c.4328G>A (NM_017780.3); c.1717-24419G>A (NM_001316690.1); short protein forms S1443N.
Identifiers: ClinVar variation 1052507 (VCV001052507.10), dbSNP rs1333684435, ClinGen allele CA371317968.

ClinVar aggregate classification (germline): Uncertain significance. Review status: criteria provided, multiple submitters, no conflicts (2 of 4 stars). 2 submissions from 2 submitters: Uncertain significance (2). Last evaluated 2025-01-16.

Conditions:
CHARGE syndrome (CHARGE). Also called: Hittner Hirsch Kreh syndrome; CHARGE ASSOCIATION--COLOBOMA, HEART ANOMALY, CHOANAL ATRESIA, RETARDATION, GENITAL AND EAR ANOMALIES; Coloboma, heart anomaly, choanal atresia, retardation, genital and ear anomalies; CHARGE association; Hall-Hittner syndrome. Identifiers: Orphanet 138, MedGen C0265354, MONDO:0008965.
Inborn genetic diseases. Identifiers: MedGen C0950123, MeSH D030342.

Allele frequency attached by ClinVar (database versions not stated): gnomAD exomes below 0.00001; TOPMed below 0.00001; gnomAD 0.00001.
gnomAD v4.1: 3 of 1,613,418 alleles (0.00019%); highest among the groups gnomAD compares: South Asian, 0.0011%; no homozygotes.

Submissions (2):

Ambry Genetics
Classification: Uncertain significance for Inborn genetic diseases. Last evaluated: 2025-01-16. Review status: criteria provided, single submitter. Criteria: Ambry Variant Classification Scheme 2023. Collection method: clinical testing. Allele origin: germline.

Labcorp Genetics (formerly Invitae), Labcorp
Classification: Uncertain significance for CHARGE syndrome. Last evaluated: 2020-02-27. Review status: criteria provided, single submitter. Criteria: Invitae Variant Classification Sherloc (09022015). Collection method: clinical testing. Allele origin: germline.
Comment: This sequence change replaces serine with asparagine at codon 1443 of the CHD7 protein (p.Ser1443Asn). The serine residue is highly conserved and there is a small physicochemical difference between serine and asparagine. This variant is not present in population databases (ExAC no frequency). This variant has not been reported in the literature in individuals with CHD7-related conditions. Algorithms developed to predict the effect of missense changes on protein structure and function are either unavailable or do not agree on the potential impact of this missense change (SIFT: "Deleterious"; PolyPhen-2: "Probably Damaging"; Align-GVGD: "Class C0"). In summary, the available evidence is currently insufficient to determine the role of this variant in disease. Therefore, it has been classified as a Variant of Uncertain Significance.